The following is an entry in ClinVar:

ClinVar aggregate classification (germline): Conflicting classifications of pathogenicity. Review status: criteria provided, conflicting classifications (1 of 4 stars). 2 submissions from 2 submitters: Uncertain significance (1); Likely benign (1). Last evaluated 2024-11-14.

Conditions:
Autosomal dominant nonsyndromic hearing loss 1. Also called: DEAFNESS, AUTOSOMAL DOMINANT 1, WITH OR WITHOUT THROMBOCYTOPENIA; KONIGSMARK SYNDROME. Identifiers: Orphanet 90635, MedGen C1852282, MONDO:0007424, OMIM 124900.
Progressive microcephaly-seizures-cortical blindness-developmental delay syndrome. Also called: Seizures, cortical blindness, and microcephaly syndrome. Identifiers: Orphanet 477814, MedGen C5567650, MONDO:0014714, OMIM 616632.

Allele frequency attached by ClinVar (database versions not stated): gnomAD 0.00001; gnomAD exomes 0.00001 and 0.00003; ExAC 0.00002; TOPMed 0.00002.
gnomAD v4.1: 13 of 1,613,982 alleles (0.00081%); highest among the groups gnomAD compares: Admixed American, 0.0017%; no homozygotes.

Submissions (2):

Labcorp Genetics (formerly Invitae), Labcorp
Classification: Likely benign for Progressive microcephaly-seizures-cortical blindness-developmental delay syndrome; Autosomal dominant nonsyndromic hearing loss 1. Last evaluated: 2024-11-14. Review status: criteria provided, single submitter. Criteria: Invitae Variant Classification Sherloc (09022015). Collection method: clinical testing. Allele origin: germline.

Genetic Services Laboratory, University of Chicago
Classification: Uncertain significance. Last evaluated: 2020-07-30. Review status: criteria provided, single submitter. Criteria: ACMG Guidelines, 2015. Collection method: clinical testing. Allele origin: germline. Affected: no.
Comment: DNA sequence analysis of the DIAPH1 gene demonstrated a sequence change in intron 3, c.300+7T>C. This change does not appear to have been previously described in patients with DIAPH1-related disorders. It has been described in the gnomAD database with a low population frequency of 0.003% (dbSNP rs760784874). This sequence change is not clearly predicted to have a deleterious effect on splicing based on in silico splice prediction programs. It is possible that this sequence change represents a benign sequence change in the DIAPH1 gene that has not been identified to date. The functional significance of this sequence change is not known at present and its contribution to this patient's disease phenotype cannot definitively be determined.

NM_005219.5(DIAPH1):c.300+7T>C

Gene: DIAPH1 (diaphanous related formin 1; minus strand). Cytogenetic location: 5q31.3.
Variant type: single nucleotide variant.
Coding change: c.300+7T>C on transcript NM_005219.5 (MANE Select); 7 bases into the intron after coding-DNA position 300, T replaced by C.
Molecular consequence: intron variant.
Genome position (GRCh38, 1-based): chr5:141,587,035, A>G on the plus strand (T>C on the coding strand, the complement: DIAPH1 is on the minus strand). VCF-style: chr5-141587035-A-G. GRCh37 (hg19) VCF-style: chr5-140966602-A-G.
Other names: c.273+7T>C (NM_001079812.3); c.300+7T>C (NM_001314007.2).
Identifiers: ClinVar variation 1336084 (VCV001336084.11), dbSNP rs760784874, ClinGen allele CA3479648.